The following is an entry in ClinVar:

NM_015340.4(LARS2):c.606+5G>A

Gene: LARS2 (leucyl-tRNA synthetase 2, mitochondrial; plus strand). Cytogenetic location: 3p21.31.
Variant type: single nucleotide variant.
Coding change: c.606+5G>A on transcript NM_015340.4 (MANE Select); 5 bases into the intron after coding-DNA position 606, G replaced by A.
Molecular consequence: intron variant.
Genome position (GRCh38, 1-based): chr3:45,446,985, G>A. VCF-style: chr3-45446985-G-A. GRCh37 (hg19) VCF-style: chr3-45488477-G-A.
Other names: c.606+5G>A (NM_001368263.1).
Identifiers: ClinVar variation 2063499 (VCV002063499.2), dbSNP rs767866470, ClinGen allele CA2349362.
Genomic context (GRCh38, chr3:45,446,985, plus strand): 5'-GGACTCAGTATCTCTTTATTAAACTGTATGAGGCTGGGCTGGCCTATCAAAAGGAGGTAA[G>A]TTAAAATTAGCTGGACTTTTAAAATTCAGTGAATCTCTTTAGGATACATCATTGTAGTAG-3'

ClinVar aggregate classification (germline): Uncertain significance. Review status: criteria provided, multiple submitters, no conflicts (2 of 4 stars). 2 submissions from 2 submitters: Uncertain significance (2). Last evaluated 2024-08-20.

Allele frequency attached by ClinVar (database versions not stated): gnomAD exomes 0.00001; TOPMed 0.00001; ExAC 0.00002; gnomAD 0.00002.
gnomAD v4.1: 19 of 1,524,352 alleles (0.0012%); highest among the groups gnomAD compares: South Asian, 0.0034%; no homozygotes.

Submissions (2):

GeneDx
Classification: Uncertain significance. Last evaluated: 2024-08-20. Review status: criteria provided, single submitter. Criteria: GeneDx Variant Classification Process June 2021. Collection method: clinical testing. Allele origin: germline. Affected: yes.
Comment: Not observed at significant frequency in large population cohorts (gnomAD); Intronic +5 splice site variant in a gene for which loss of function is a known mechanism of disease, and both splice predictors and evolutionary conservation support a deleterious effect, although in the absence of functional evidence the actual effect of this sequence change is unknown; Has not been previously published as pathogenic or benign to our knowledge

Labcorp Genetics (formerly Invitae), Labcorp
Classification: Uncertain significance. Last evaluated: 2022-07-23. Review status: criteria provided, single submitter. Criteria: Invitae Variant Classification Sherloc (09022015). Collection method: clinical testing. Allele origin: germline.
Comment: This sequence change falls in intron 7 of the LARS2 gene. It does not directly change the encoded amino acid sequence of the LARS2 protein. It affects a nucleotide within the consensus splice site. This variant is present in population databases (rs767866470, gnomAD 0.005%). This variant has not been reported in the literature in individuals affected with LARS2-related conditions. Variants that disrupt the consensus splice site are a relatively common cause of aberrant splicing (PMID: 17576681, 9536098). Algorithms developed to predict the effect of sequence changes on RNA splicing suggest that this variant may disrupt the consensus splice site. In summary, the available evidence is currently insufficient to determine the role of this variant in disease. Therefore, it has been classified as a Variant of Uncertain Significance.

Literature cited by the submitters: PubMed 17576681 (cited by Labcorp Genetics (formerly Invitae), Labcorp); PubMed 9536098 (cited by Labcorp Genetics (formerly Invitae), Labcorp).